The following is an entry in ClinVar:

NM_000051.4(ATM):c.1234T>C (p.Trp412Arg)

Gene: ATM (ATM serine/threonine kinase; plus strand). Cytogenetic location: 11q22.3.
Variant type: single nucleotide variant.
Coding change: c.1234T>C on transcript NM_000051.4 (MANE Select); coding-DNA position 1234, T replaced by C.
Protein change: p.Trp412Arg; replaces tryptophan 412 with arginine.
Molecular consequence: missense variant.
Genome position (GRCh38, 1-based): chr11:108,249,101, T>C. VCF-style: chr11-108249101-T-C. GRCh37 (hg19) VCF-style: chr11-108119828-T-C.
Other names: p.W412R:TGG>CGG; c.1234T>C, p.Trp412Arg (NM_001351834.2); short protein forms W412R.
Identifiers: ClinVar variation 127333 (VCV000127333.26), dbSNP rs587779812, ClinGen allele CA286717.
Genomic context (GRCh38, chr11:108,249,101, plus strand): 5'-GGCTGGGAAGTAATAAAAGATCACCTTCAGAAGTCACAGAATGATTTTGATCTTGTGCCT[T>C]GGTAAAGTGTTACCATTTTCTCATTCAGTGTCATTTTAATCTCTTGTATGTTATTTTTCA-3'
Protein context (NP_000042.3, residues 402-422): KSQNDFDLVP[Trp412Arg]LQIATQLISK

ClinVar aggregate classification (germline): Conflicting classifications of pathogenicity. Review status: criteria provided, conflicting classifications (1 of 4 stars). 5 submissions from 5 submitters: Likely pathogenic (1); Uncertain significance (3). 1 of the submissions does not count toward it. Last evaluated 2026-01-27.

Conditions:
Hereditary cancer-predisposing syndrome. Also called: Neoplastic Syndromes, Hereditary; Hereditary neoplastic syndrome; Tumor predisposition; Hereditary Cancer Syndrome. Identifiers: Orphanet 140162, MedGen C0027672, MeSH D009386, MONDO:0015356.
Ataxia-telangiectasia syndrome (AT). Also called: LOUIS-BAR SYNDROME; Cerebello-oculocutaneous telangiectasia; Immunodeficiency with ataxia telangiectasia; ATAXIA-TELANGIECTASIA, COMPLEMENTATION GROUP A; ATAXIA-TELANGIECTASIA, FRESNO VARIANT; Ataxia-telangiectasia. Identifiers: Orphanet 100, MedGen C0004135, MONDO:0008840, OMIM 208900.

Allele frequency attached by ClinVar (database versions not stated): gnomAD 0.00003 and 0.00001; gnomAD exomes below 0.00001; TOPMed 0.00002.
gnomAD v4.1: 4 of 1,613,778 alleles (0.00025%); highest among the groups gnomAD compares: African/African-American, 0.0013%; no homozygotes.

Submissions (5):

Labcorp Genetics (formerly Invitae), Labcorp
Classification: Likely pathogenic for Ataxia-telangiectasia syndrome. Last evaluated: 2026-01-27. Review status: criteria provided, single submitter. Criteria: Invitae Variant Classification Sherloc (09022015). Collection method: clinical testing. Allele origin: germline.
Comment: This sequence change replaces tryptophan, which is neutral and slightly polar, with arginine, which is basic and polar, at codon 412 of the ATM protein (p.Trp412Arg). This variant is present in population databases (rs587779812, gnomAD 0.0009%). This missense change has been observed in individual(s) with ataxia telangiectasia (internal data). In at least one individual the data is consistent with being in trans (on the opposite chromosome) from a pathogenic variant. ClinVar contains an entry for this variant (Variation ID: 127333). An algorithm developed to predict the effect of missense changes on protein structure and function (PolyPhen-2) suggests that this variant is likely to be disruptive. Experimental studies have shown that this missense change affects ATM function (PMID: 25040471). RNA analysis performed to evaluate the impact of this missense change on mRNA splicing indicates it does not significantly alter splicing (internal data). In summary, the currently available evidence indicates that the variant is pathogenic, but additional data are needed to prove that conclusively. Therefore, this variant has been classified as Likely Pathogenic.

Ambry Genetics
Classification: Uncertain significance for Hereditary cancer-predisposing syndrome. Last evaluated: 2026-01-23. Review status: criteria provided, single submitter. Criteria: Ambry Variant Classification Scheme 2023. Collection method: clinical testing. Allele origin: germline.
Comment: The p.W412R variant (also known as c.1234T>C), located in coding exon 8 of the ATM gene, results from a T to C substitution at nucleotide position 1234. The tryptophan at codon 412 is replaced by arginine, an amino acid with dissimilar properties. This amino acid position is highly conserved in available vertebrate species. In addition, the in silico prediction for this alteration is inconclusive. Based on the available evidence, the clinical significance of this variant remains unclear.

Color Diagnostics, LLC DBA Color Health
Classification: Uncertain significance for Hereditary cancer-predisposing syndrome. Last evaluated: 2024-08-19. Review status: criteria provided, single submitter. Criteria: ACMG Guidelines, 2015. Collection method: clinical testing. Allele origin: germline.
Comment: This missense variant replaces tryptophan with arginine at codon 412 of the ATM protein. Computational prediction is inconclusive regarding the impact of this variant on protein structure and function. A functional study showed that this variant reduced protein levels and kinase activity (PMID: 25040471). This variant has been reported in an individual affected with breast cancer (PMID: 33471991). This variant has been identified in 1/251052 chromosomes in the general population by the Genome Aggregation Database (gnomAD). The available evidence is insufficient to determine the role of this variant in disease conclusively. Therefore, this variant is classified as a Variant of Uncertain Significance.

GeneDx
Classification: Uncertain significance. Last evaluated: 2024-01-21. Review status: criteria provided, single submitter. Criteria: GeneDx Variant Classification Process June 2021. Collection method: clinical testing. Allele origin: germline. Affected: yes.
Comment: Not observed at significant frequency in large population cohorts (gnomAD); In silico analysis supports that this missense variant has a deleterious effect on protein structure/function; Published functional studies show reduced protein expression, but some retained irradiation-induced kinase activity, the clinical significance of which is unclear (PMID: 25040471); This variant is associated with the following publications: (PMID: 25040471, 33471991)

Natera, Inc.
Classification: Uncertain significance for Ataxia-telangiectasia. Last evaluated: 2020-08-25. Review status: no assertion criteria provided. Collection method: clinical testing. Allele origin: germline. Not counted in ClinVar's aggregate classification.

Literature cited by the submitters: PubMed 25040471 (cited by 3 submitters); PubMed 33471991 (cited by Ambry Genetics and Color Diagnostics, LLC DBA Color Health).